The following is an entry in ClinVar:

NM_001267550.2(TTN):c.38731G>A (p.Val12911Ile)

Gene: TTN (titin; minus strand). Cytogenetic location: 2q31.2.
Variant type: single nucleotide variant.
Coding change: c.38731G>A on transcript NM_001267550.2 (MANE Select); coding-DNA position 38731, G replaced by A.
Protein change: p.Val12911Ile; replaces valine 12911 with isoleucine.
Molecular consequence: missense variant. On other transcripts: intron variant (5).
Genome position (GRCh38, 1-based): chr2:178,653,298, C>T on the plus strand (G>A on the coding strand, the complement: TTN is on the minus strand). VCF-style: chr2-178653298-C-T. GRCh37 (hg19) VCF-style: chr2-179518025-C-T.
Other names: c.13283-10981G>A (NM_003319.4); c.13859-10981G>A (NM_133437.4); c.13658-10981G>A (NM_133432.3); c.31742-757G>A (NM_133378.4); c.34523-757G>A (NM_001256850.1); short protein forms V12911I.
Identifiers: ClinVar variation 3769509 (VCV003769509.2).

ClinVar aggregate classification (germline): Uncertain significance (1 of 4 stars; one submission).

gnomAD v4.1: 4 of 1,612,510 alleles (0.00025%); highest among the groups gnomAD compares: Admixed American, 0.005%; no homozygotes.

Submission:

Women's Health and Genetics/Laboratory Corporation of America, LabCorp
Classification: Uncertain significance. Last evaluated: 2025-01-30. Review status: criteria provided, single submitter. Criteria: LabCorp Variant Classification Summary - May 2015. Collection method: clinical testing. Allele origin: germline.
Comment: Variant summary: TTN c.31742-757G>A is located at a position not widely known to affect splicing. This variant is also known as NM_001267550: c.38731G>A, p.Val12911Ile. Consensus agreement among computation tools predict no significant impact on normal splicing. However, these predictions have yet to be confirmed by functional studies. The variant allele was found at a frequency of 4.1e-06 in 246796 control chromosomes. The available data on variant occurrences in the general population are insufficient to allow any conclusion about variant significance. To our knowledge, no occurrence of c.31742-757G>A in individuals affected with TTN-related conditions and no experimental evidence demonstrating its impact on protein function have been reported. No submitters have cited clinical-significance assessments for this variant to ClinVar. Based on the evidence outlined above, the variant was classified as uncertain significance.